The following is an entry in ClinVar:

NM_020884.7(MYH7B):c.2968G>A (p.Ala990Thr)

Gene: MYH7B (myosin heavy chain 7B; plus strand). Cytogenetic location: 20q11.22.
Variant type: single nucleotide variant.
Coding change: c.2968G>A on transcript NM_020884.7 (MANE Select); coding-DNA position 2968, G replaced by A.
Protein change: p.Ala990Thr; replaces alanine 990 with threonine.
Molecular consequence: missense variant.
Genome position (GRCh38, 1-based): chr20:34,996,370, G>A. VCF-style: chr20-34996370-G-A. GRCh37 (hg19) VCF-style: chr20-33584173-G-A.
Other names: short protein forms A990T.
Identifiers: ClinVar variation 3714177 (VCV003714177.2).

ClinVar aggregate classification (germline): Uncertain significance (1 of 4 stars; one submission).

gnomAD v4.1: 22 of 1,602,714 alleles (0.0014%); highest among the groups gnomAD compares: African/African-American, 0.028%; no homozygotes.

Submission:

Labcorp Genetics (formerly Invitae), Labcorp
Classification: Uncertain significance. Last evaluated: 2024-08-04. Review status: criteria provided, single submitter. Criteria: Invitae Variant Classification Sherloc (09022015). Collection method: clinical testing. Allele origin: germline.
Comment: This sequence change replaces alanine, which is neutral and non-polar, with threonine, which is neutral and polar, at codon 1032 of the MYH7B protein (p.Ala1032Thr). This variant is present in population databases (rs566478593, gnomAD 0.01%). This variant has not been reported in the literature in individuals affected with MYH7B-related conditions. Advanced modeling of protein sequence and biophysical properties (such as structural, functional, and spatial information, amino acid conservation, physicochemical variation, residue mobility, and thermodynamic stability) performed at Invitae indicates that this missense variant is not expected to disrupt MYH7B protein function with a negative predictive value of 80%. In summary, the available evidence is currently insufficient to determine the role of this variant in disease. Therefore, it has been classified as a Variant of Uncertain Significance.